The following is an entry in ClinVar:

ClinVar aggregate classification (germline): Uncertain significance (1 of 4 stars; one submission).

Submission:

CeGaT Center for Human Genetics Tuebingen
Classification: Uncertain significance. Last evaluated: 2022-04-01. Review status: criteria provided, single submitter. Criteria: CeGaT Center For Human Genetics Tuebingen Variant Classification Criteria Version 2. Collection method: clinical testing. Allele origin: germline. Affected: yes. Observed: 1 variant allele.
Comment: TTN: PM2

NM_001267550.2(TTN):c.85087T>C (p.Phe28363Leu)

Genes: TTN (titin; minus strand), TTN-AS1 (TTN antisense RNA 1; plus strand). Cytogenetic location: 2q31.2.
Variant type: single nucleotide variant.
Coding change: c.85087T>C on transcript NM_001267550.2 (MANE Select); coding-DNA position 85087, T replaced by C.
Protein change: p.Phe28363Leu; replaces phenylalanine 28363 with leucine.
Molecular consequence: missense variant.
Genome position (GRCh38, 1-based): chr2:178,561,045, A>G on the plus strand (T>C on the coding strand, the complement: TTN is on the minus strand). VCF-style: chr2-178561045-A-G. GRCh37 (hg19) VCF-style: chr2-179425772-A-G.
Other names: c.58267T>C, p.Phe19423Leu (NM_133432.3); c.58468T>C, p.Phe19490Leu (NM_133437.4); c.80164T>C, p.Phe26722Leu (NM_001256850.1); c.57892T>C, p.Phe19298Leu (NM_003319.4); c.77383T>C, p.Phe25795Leu (NM_133378.4); short protein forms F19298L, F19423L, F19490L, F25795L, F26722L, F28363L.
Identifiers: ClinVar variation 2651601 (VCV002651601.24), dbSNP rs2469679800, ClinGen allele CA349555757.